The following is an entry in ClinVar:

ClinVar aggregate classification (germline): Uncertain significance (1 of 4 stars; one submission).

Conditions:
Malignant hyperthermia, susceptibility to, 1 (MHS1). Also called: Anesthesia related hyperthermia; Malignant hyperpyrexia; Fulminating hyperpyrexia; Pharmacogenic myopathy; RYR1-Related Malignant Hyperthermia Susceptibility; Malignant hyperthermia suceptibility 1. Identifiers: Orphanet 423, MedGen C2930980, MONDO:0007783, OMIM 145600.

Allele frequency attached by ClinVar (database versions not stated): gnomAD exomes below 0.00001.
gnomAD v4.1: 4 of 1,614,142 alleles (0.00025%); highest among the groups gnomAD compares: Non-Finnish European, 0.00034%; no homozygotes.

Submission:

All of Us Research Program, National Institutes of Health
Classification: Uncertain significance for Malignant hyperthermia, susceptibility to, 1. Last evaluated: 2023-07-10. Review status: criteria provided, single submitter. Criteria: ACMG Guidelines, 2015. Collection method: clinical testing. Allele origin: germline. Inheritance: Autosomal dominant inheritance. Observed: 2 variant alleles, 2 heterozygotes.
Comment: This missense variant replaces aspartic acid with asparagine at codon 898 of the RYR1 protein. Computational prediction suggests that this variant may have deleterious impact on protein structure and function (internally defined REVEL score threshold >= 0.7, PMID: 27666373). To our knowledge, functional studies have not been reported for this variant. This variant has not been reported in individuals affected with RYR1-related disorders in the literature. This variant has been identified in 1/251486 chromosomes in the general population by the Genome Aggregation Database (gnomAD). The available evidence is insufficient to determine the role of this variant in disease conclusively. Therefore, this variant is classified as a Variant of Uncertain Significance.

This study involves interpretation of variants in research participants for the purpose of population health screening. Participant phenotype was not available at the time of variant classification. Additional details can be found in publication PMID: 35346344, PMCID: PMC8962531

NM_000540.3(RYR1):c.2692G>A (p.Asp898Asn)

Gene: RYR1 (ryanodine receptor 1; plus strand). Cytogenetic location: 19q13.2.
Variant type: single nucleotide variant.
Coding change: c.2692G>A on transcript NM_000540.3 (MANE Select); coding-DNA position 2692, G replaced by A.
Protein change: p.Asp898Asn; replaces aspartic acid 898 with asparagine.
Molecular consequence: missense variant.
Genome position (GRCh38, 1-based): chr19:38,463,756, G>A. VCF-style: chr19-38463756-G-A. GRCh37 (hg19) VCF-style: chr19-38954396-G-A.
Other names: c.2692G>A, p.Asp898Asn (NM_001042723.2); short protein forms D898N.
Identifiers: ClinVar variation 3071605 (VCV003071605.1), dbSNP rs1380359290, ClinGen allele CA405632217.